The following is an entry in ClinVar:

ClinVar aggregate classification (germline): Uncertain significance (1 of 4 stars; one submission).

Allele frequency attached by ClinVar (database versions not stated): gnomAD exomes 0.00001.
gnomAD v4.1: 18 of 1,614,072 alleles (0.0011%); highest among the groups gnomAD compares: Non-Finnish European, 0.0014%; no homozygotes.

Submission:

Labcorp Genetics (formerly Invitae), Labcorp
Classification: Uncertain significance. Last evaluated: 2022-07-12. Review status: criteria provided, single submitter. Criteria: Invitae Variant Classification Sherloc (09022015). Collection method: clinical testing. Allele origin: germline.
Comment: This sequence change replaces alanine, which is neutral and non-polar, with valine, which is neutral and non-polar, at codon 665 of the GPR179 protein (p.Ala665Val). This variant is not present in population databases (gnomAD no frequency). This variant has not been reported in the literature in individuals affected with GPR179-related conditions. ClinVar contains an entry for this variant (Variation ID: 1359012). Algorithms developed to predict the effect of missense changes on protein structure and function output the following: SIFT: "Tolerated"; PolyPhen-2: "Benign"; Align-GVGD: "Class C0". The valine amino acid residue is found in multiple mammalian species, which suggests that this missense change does not adversely affect protein function. In summary, the available evidence is currently insufficient to determine the role of this variant in disease. Therefore, it has been classified as a Variant of Uncertain Significance.

NM_001004334.4(GPR179):c.1994C>T (p.Ala665Val)

Gene: GPR179 (G protein-coupled receptor 179; minus strand). Cytogenetic location: 17q12.
Variant type: single nucleotide variant.
Coding change: c.1994C>T on transcript NM_001004334.4 (MANE Select); coding-DNA position 1994, C replaced by T.
Protein change: p.Ala665Val; replaces alanine 665 with valine.
Molecular consequence: missense variant.
Genome position (GRCh38, 1-based): chr17:38,333,294, G>A on the plus strand (C>T on the coding strand, the complement: GPR179 is on the minus strand). VCF-style: chr17-38333294-G-A. GRCh37 (hg19) VCF-style: chr17-36489177-G-A.
Other names: short protein forms A665V.
Identifiers: ClinVar variation 1359012 (VCV001359012.5), dbSNP rs2144266965, ClinGen allele CA398885237.